The following is an entry in ClinVar:

ClinVar aggregate classification (germline): Pathogenic (1 of 4 stars; one submission).

Conditions:
Cerebral cavernous malformation (CCM). Also called: CAVERNOUS ANGIOMA, FAMILIAL; CAVERNOUS ANGIOMATOUS MALFORMATIONS; CEREBRAL CAPILLARY MALFORMATIONS; Cavernous Hemangioma of Brain; Cerebral cavernous malformations; Cerebral cavernous hemangioma (type). Identifiers: Orphanet 221061, MedGen C2919945, MONDO:0000820, OMIM 116860, HP:0033522.

Submission:

Labcorp Genetics (formerly Invitae), Labcorp
Classification: Pathogenic for Cerebral cavernous malformation. Last evaluated: 2025-05-19. Review status: criteria provided, single submitter. Criteria: Invitae Variant Classification Sherloc (09022015). Collection method: clinical testing. Allele origin: germline.
Comment: This sequence change creates a premature translational stop signal (p.Trp630*) in the KRIT1 gene. It is expected to result in an absent or disrupted protein product. Loss-of-function variants in KRIT1 are known to be pathogenic (PMID: 10508515, 11222804, 12404106, 24689081). This variant is not present in population databases (gnomAD no frequency). This premature translational stop signal has been observed in individual(s) with clinical features of cerebral cavernous malformations (PMID: 11914398). For these reasons, this variant has been classified as Pathogenic.

Literature cited by the submitters: PubMed 10508515; PubMed 11222804; PubMed 12404106; PubMed 24689081; PubMed 11914398.

NM_194454.3(KRIT1):c.1889G>A (p.Trp630Ter)

Gene: KRIT1 (KRIT1 ankyrin repeat containing; minus strand). Cytogenetic location: 7q21.2.
Variant type: single nucleotide variant.
Coding change: c.1889G>A on transcript NM_194454.3 (MANE Select); coding-DNA position 1889, G replaced by A.
Protein change: p.Trp630Ter; replaces tryptophan 630 with a stop codon.
Molecular consequence: nonsense.
Genome position (GRCh38, 1-based): chr7:92,213,331, C>T on the plus strand (G>A on the coding strand, the complement: KRIT1 is on the minus strand). VCF-style: chr7-92213331-C-T. GRCh37 (hg19) VCF-style: chr7-91842645-C-T.
Other names: c.1745G>A, p.Trp582Ter (NM_001013406.2, NM_001350669.1, NM_001350670.1); c.1175G>A, p.Trp392Ter (NM_001350671.1); c.1889G>A, p.Trp630Ter (NM_001350672.1, NM_001350673.1, NM_001350674.1 and 26 more transcripts); short protein forms W392*, W630*, W582*.
Identifiers: ClinVar variation 4713229 (VCV004713229.1).